The following is an entry in ClinVar:

NM_002476.2(MYL4):c.530G>A (p.Gly177Glu)

Gene: MYL4 (myosin light chain 4; plus strand). Cytogenetic location: 17q21.32.
Variant type: single nucleotide variant.
Coding change: c.530G>A on transcript NM_002476.2 (MANE Select); coding-DNA position 530, G replaced by A.
Protein change: p.Gly177Glu; replaces glycine 177 with glutamic acid.
Molecular consequence: missense variant.
Genome position (GRCh38, 1-based): chr17:47,222,422, G>A. VCF-style: chr17-47222422-G-A. GRCh37 (hg19) VCF-style: chr17-45299788-G-A.
Other names: c.530G>A, p.Gly177Glu (NM_001002841.2); short protein forms G177E.
Identifiers: ClinVar variation 1391944 (VCV001391944.8), dbSNP rs2149049181, ClinGen allele CA400022962.

ClinVar aggregate classification (germline): Uncertain significance (1 of 4 stars; one submission).

Conditions:
Atrial fibrillation, familial, 18 (ATFB18). Identifiers: MedGen C4310636, MONDO:0015001, OMIM 617280.

gnomAD v4.1: 2 of 1,614,088 alleles (0.00012%); highest among the groups gnomAD compares: Non-Finnish European, 0.000085%; no homozygotes.

Submission:

Labcorp Genetics (formerly Invitae), Labcorp
Classification: Uncertain significance for Atrial fibrillation, familial, 18. Last evaluated: 2025-02-12. Review status: criteria provided, single submitter. Criteria: Invitae Variant Classification Sherloc (09022015). Collection method: clinical testing. Allele origin: germline.
Comment: This sequence change replaces glycine, which is neutral and non-polar, with glutamic acid, which is acidic and polar, at codon 177 of the MYL4 protein (p.Gly177Glu). This variant is not present in population databases (gnomAD no frequency). This variant has not been reported in the literature in individuals affected with MYL4-related conditions. ClinVar contains an entry for this variant (Variation ID: 1391944). An algorithm developed to predict the effect of missense changes on protein structure and function (PolyPhen-2) suggests that this variant is likely to be disruptive. In summary, the available evidence is currently insufficient to determine the role of this variant in disease. Therefore, it has been classified as a Variant of Uncertain Significance.